The following is an entry in ClinVar:

ClinVar aggregate classification (germline): Pathogenic. Review status: criteria provided, multiple submitters, no conflicts (2 of 4 stars). 2 submissions from 2 submitters: Pathogenic (2). Last evaluated 2023-10-22.

Conditions:
GNPTAB-mucolipidosis. Also called: UDP-N-acetylglucosamine-1-phosphotransferase subunit alpha/beta deficiency. Identifiers: MedGen CN322573, MONDO:0100122.
Mucolipidosis type II. Also called: Mucolipidosis 2; ML 2; Inclusion cell disease; Leroy Disease; N-acetylglucosamine 1phosphotransferase deficiency; ML disorder type 2. Identifiers: Orphanet 576, MedGen C2673377, MONDO:0009650, OMIM 252500.
Pseudo-Hurler polydystrophy. Also called: Type III Mucolipidosis; ML IIIA; Mucolipidosis III Alpha/Beta; MUCOLIPIDOSIS IIIA; ML III; ML III ALPHA/BETA. Identifiers: Orphanet 423461, Orphanet 577, MedGen C0033788, MONDO:0018931, OMIM 252600.

Submissions (2):

Myriad Genetics, Inc.
Classification: Pathogenic for GNPTAB-mucolipidosis. Last evaluated: 2023-10-22. Review status: criteria provided, single submitter. Criteria: Myriad Autosomal Dominant, Autosomal Recessive and X-Linked Classification Criteria (2023). Collection method: clinical testing. Allele origin: unknown.
Comment: NM_024312.4(GNPTAB):c.2654_2655delCA(T885Rfs*2) is expected to be pathogenic in the context of GNPTAB-related disorders. This variant is predicted to lead to an abnormal or absent protein product due to the creation of a premature termination codon in GNPTAB, a gene where loss-of-function variants are known to be pathogenic. Please note: this variant was assessed in the context of healthy population screening.

Labcorp Genetics (formerly Invitae), Labcorp
Classification: Pathogenic for Pseudo-Hurler polydystrophy; Mucolipidosis type II. Last evaluated: 2021-11-06. Review status: criteria provided, single submitter. Criteria: Invitae Variant Classification Sherloc (09022015). Collection method: clinical testing. Allele origin: germline.
Comment: For these reasons, this variant has been classified as Pathogenic. This variant has not been reported in the literature in individuals affected with GNPTAB-related conditions. This variant is not present in population databases (gnomAD no frequency). This sequence change creates a premature translational stop signal (p.Thr885Argfs*2) in the GNPTAB gene. It is expected to result in an absent or disrupted protein product. Loss-of-function variants in GNPTAB are known to be pathogenic (PMID: 19617216, 25107912).

Literature cited by the submitters: PubMed 19617216 (cited by Labcorp Genetics (formerly Invitae), Labcorp); PubMed 25107912 (cited by Labcorp Genetics (formerly Invitae), Labcorp).

NM_024312.5(GNPTAB):c.2654_2655del (p.Thr885fs)

Gene: GNPTAB (N-acetylglucosamine-1-phosphate transferase subunits alpha and beta; minus strand). Cytogenetic location: 12q23.2.
Variant type: Microsatellite.
Coding change: c.2654_2655del on transcript NM_024312.5 (MANE Select); coding-DNA positions 2654 to 2655, 2 bases deleted (CA; older notation c.2654_2655delCA).
Protein change: p.Thr885fs; shifts the reading frame from threonine 885.
Molecular consequence: frameshift variant.
Genome position (GRCh38, 1-based): chr12:101,764,262-101,764,263, TG deleted on the plus strand (CA on the coding strand, the reverse complement: GNPTAB is on the minus strand); deleting any 2 consecutive bases within chr12:101,764,262-101,764,266 gives the same sequence; the c. name uses the placement nearest the transcript's 3' end. VCF-style (leftmost placement, unchanged base first): chr12-101764261-CTG-C. GRCh37 (hg19) VCF-style: chr12-102158039-CTG-C.
Other names: short protein forms T885fs.
Identifiers: ClinVar variation 1399558 (VCV001399558.7), dbSNP rs2137115961, ClinGen allele CA2580616838.